The following is an entry in ClinVar:

ClinVar aggregate classification (germline): Uncertain significance (1 of 4 stars; one submission).

Submission:

Labcorp Genetics (formerly Invitae), Labcorp
Classification: Uncertain significance. Last evaluated: 2024-06-05. Review status: criteria provided, single submitter. Criteria: Invitae Variant Classification Sherloc (09022015). Collection method: clinical testing. Allele origin: germline.
Comment: This sequence change replaces threonine, which is neutral and polar, with serine, which is neutral and polar, at codon 137 of the RIMS1 protein (p.Thr137Ser). This variant is present in population databases (no rsID available, gnomAD 0.007%). This variant has not been reported in the literature in individuals affected with RIMS1-related conditions. An algorithm developed to predict the effect of missense changes on protein structure and function (PolyPhen-2) suggests that this variant is likely to be disruptive. In summary, the available evidence is currently insufficient to determine the role of this variant in disease. Therefore, it has been classified as a Variant of Uncertain Significance.

NM_014989.7(RIMS1):c.409A>T (p.Thr137Ser)

Gene: RIMS1 (regulating synaptic membrane exocytosis 1; plus strand). Cytogenetic location: 6q13.
Variant type: single nucleotide variant.
Coding change: c.409A>T on transcript NM_014989.7 (MANE Select); coding-DNA position 409, A replaced by T.
Protein change: p.Thr137Ser; replaces threonine 137 with serine.
Molecular consequence: missense variant.
Genome position (GRCh38, 1-based): chr6:72,097,112, A>T. VCF-style: chr6-72097112-A-T. GRCh37 (hg19) VCF-style: chr6-72806815-A-T.
Other names: c.406A>T, p.Thr136Ser (NM_001350411.1); c.328A>T, p.Thr110Ser (NM_001350412.1); c.409A>T, p.Thr137Ser (NM_001350413.1); short protein forms T137S, T110S, T136S.
Identifiers: ClinVar variation 3679164 (VCV003679164.2).